The following is an entry in ClinVar:

NM_001378452.1(ITPR1):c.6371T>C (p.Met2124Thr)

Gene: ITPR1 (inositol 1,4,5-trisphosphate receptor type 1; plus strand). Cytogenetic location: 3p26.1.
Variant type: single nucleotide variant.
Coding change: c.6371T>C on transcript NM_001378452.1 (MANE Select); coding-DNA position 6371, T replaced by C.
Protein change: p.Met2124Thr; replaces methionine 2124 with threonine.
Molecular consequence: missense variant.
Genome position (GRCh38, 1-based): chr3:4,779,629, T>C. VCF-style: chr3-4779629-T-C. GRCh37 (hg19) VCF-style: chr3-4821313-T-C.
Other names: c.6227T>C, p.Met2076Thr (NM_001099952.4); c.6326T>C, p.Met2109Thr (NM_001168272.2); c.6182T>C, p.Met2061Thr (NM_002222.7); short protein forms M2076T, M2124T, M2061T, M2109T.
Identifiers: ClinVar variation 1960642 (VCV001960642.5), dbSNP rs2470075226, ClinGen allele CA351638422.

ClinVar aggregate classification (germline): Uncertain significance (1 of 4 stars; one submission).

Submission:

Labcorp Genetics (formerly Invitae), Labcorp
Classification: Uncertain significance. Last evaluated: 2022-02-19. Review status: criteria provided, single submitter. Criteria: Invitae Variant Classification Sherloc (09022015). Collection method: clinical testing. Allele origin: germline.
Comment: Algorithms developed to predict the effect of missense changes on protein structure and function are either unavailable or do not agree on the potential impact of this missense change (SIFT: "Deleterious"; PolyPhen-2: "Possibly Damaging"; Align-GVGD: "Class C0"). In summary, the available evidence is currently insufficient to determine the role of this variant in disease. Therefore, it has been classified as a Variant of Uncertain Significance. This variant has not been reported in the literature in individuals affected with ITPR1-related conditions. This variant is not present in population databases (gnomAD no frequency). This sequence change replaces methionine, which is neutral and non-polar, with threonine, which is neutral and polar, at codon 2061 of the ITPR1 protein (p.Met2061Thr).